The following is an entry in ClinVar:

ClinVar aggregate classification (germline): Uncertain significance (1 of 4 stars; one submission).

Conditions:
Myofibrillar myopathy 5. Also called: FILAMINOPATHY, AUTOSOMAL DOMINANT; Filaminopathy (type). Identifiers: Orphanet 171445, MedGen C1836050, MONDO:0012289, OMIM 609524.
Distal myopathy with posterior leg and anterior hand involvement. Also called: WILLIAMS DISTAL MYOPATHY. Identifiers: Orphanet 63273, MedGen C3279722, MONDO:0013550, OMIM 614065.
Hypertrophic cardiomyopathy 26. Also called: Cardiomyopathy, familial hypertrophic, 26. Identifiers: Orphanet 75249, MedGen C4310749, MONDO:0014883, OMIM 617047.

Submission:

Labcorp Genetics (formerly Invitae), Labcorp
Classification: Uncertain significance for Distal myopathy with posterior leg and anterior hand involvement; Myofibrillar myopathy 5; Hypertrophic cardiomyopathy 26. Last evaluated: 2025-12-22. Review status: criteria provided, single submitter. Criteria: Invitae Variant Classification Sherloc (09022015). Collection method: clinical testing. Allele origin: germline.
Comment: This sequence change replaces arginine, which is basic and polar, with tryptophan, which is neutral and slightly polar, at codon 1811 of the FLNC protein (p.Arg1811Trp). Information on the frequency of this variant in the gnomAD database is not available, as this variant may be reported differently in the database. This variant has not been reported in the literature in individuals affected with FLNC-related conditions. ClinVar contains an entry for this variant (Variation ID: 1485082). Experimental studies and prediction algorithms are not available or were not evaluated, and the functional significance of this variant is currently unknown. In summary, the available evidence is currently insufficient to determine the role of this variant in disease. Therefore, it has been classified as a Variant of Uncertain Significance.

NM_001458.5(FLNC):c.5430_5431inv (p.Arg1811Trp)

Genes: FLNC-AS1 (FLNC antisense RNA 1; minus strand), FLNC (filamin C; plus strand). Cytogenetic location: 7q32.1.
Variant type: Inversion.
Coding change: c.5430_5431inv on transcript NM_001458.5 (MANE Select).
Protein change: p.Arg1811Trp; replaces arginine 1811 with tryptophan.
Molecular consequence: missense variant.
Genome position: GRCh38 VCF-style: chr7-128850834-AC-GT. GRCh37 (hg19) VCF-style: chr7-128490888-AC-GT.
Other names: c.5331_5332inv, p.Arg1778Trp (NM_001127487.2); short protein forms R1778W, R1811W.
Identifiers: ClinVar variation 1485082 (VCV001485082.6), ClinGen allele CA2573141635.
Genomic context (GRCh38, chr7:128,850,834, plus strand): 5'-GTCTCCACGTAACTGTGTCTGCCCTGCAGGAGAGGTGCGGATGCCCTCGGGGAAGACGGC[AC>GT]GGCCCAACATCACCGACAACAAGGACGGCACCATCACGGTGAGGTATGCACCCACTGAGA-3'
Protein context (NP_001449.3, residues 1801-1821): EVRMPSGKTA[Arg1811Trp]PNITDNKDGT